The following is an entry in ClinVar:

ClinVar aggregate classification (germline): Uncertain significance (1 of 4 stars; one submission).

gnomAD v4.1: 1 of 1,611,712 alleles (0.000062%); highest among the groups gnomAD compares: Non-Finnish European, 0.000085%; no homozygotes.

Submission:

Labcorp Genetics (formerly Invitae), Labcorp
Classification: Uncertain significance. Last evaluated: 2025-04-30. Review status: criteria provided, single submitter. Criteria: Invitae Variant Classification Sherloc (09022015). Collection method: clinical testing. Allele origin: germline.
Comment: This sequence change affects codon 757 of the BUB1 mRNA. It is a 'silent' change, meaning that it does not change the encoded amino acid sequence of the BUB1 protein. This variant is not present in population databases (gnomAD no frequency). This variant has not been reported in the literature in individuals affected with BUB1-related conditions. Algorithms developed to predict the effect of sequence changes on RNA splicing suggest that this variant may disrupt the consensus splice site. In summary, the available evidence is currently insufficient to determine the role of this variant in disease. Therefore, it has been classified as a Variant of Uncertain Significance.

NM_004336.5(BUB1):c.2271A>G (p.Pro757=)

Gene: BUB1 (BUB1 mitotic checkpoint serine/threonine kinase; minus strand). Cytogenetic location: 2q13.
Variant type: single nucleotide variant.
Coding change: c.2271A>G on transcript NM_004336.5 (MANE Select); coding-DNA position 2271, A replaced by G.
Protein change: p.Pro757=; no amino-acid change (proline 757 retained).
Molecular consequence: synonymous variant.
Genome position (GRCh38, 1-based): chr2:110,649,310, T>C on the plus strand (A>G on the coding strand, the complement: BUB1 is on the minus strand). VCF-style: chr2-110649310-T-C. GRCh37 (hg19) VCF-style: chr2-111406887-T-C.
Other names: c.2211A>G, p.Pro737= (NM_001278616.2); c.2271A>G, p.Pro757= (NM_001278617.2).
Identifiers: ClinVar variation 4804934 (VCV004804934.1).
Genomic context (GRCh38, chr2:110,649,310, plus strand): 5'-CTTGGGCTTGATGGCTGGAAGTTTACATTGCCATTCAAAAGTATTTGGATAGGAACTCAC[T>C]GGTTTAGAAAGCCCAGATAAAAGTTTGAAAATCAGCTTATCATCCCATGGGTTCCCAACA-3'
Protein context (NP_004327.1, residues 747-767): IFKLLSGLSK[Pro757=]VSSYPNTFEW